The following is an entry in ClinVar:

NC_000006.11:g.(?_64413426)_(64454916_?)dup

Genes: EYS (eyes shut homolog; minus strand), PHF3 (PHD finger protein 3; plus strand). Cytogenetic location: 6q12.
Variant type: Duplication.
Identifiers: ClinVar variation 1056074 (VCV001056074.1).

ClinVar aggregate classification (germline): Uncertain significance (1 of 4 stars; one submission).

Submission:

Labcorp Genetics (formerly Invitae), Labcorp
Classification: Uncertain significance. Last evaluated: 2020-08-09. Review status: criteria provided, single submitter. Criteria: Invitae Variant Classification Sherloc (09022015). Collection method: clinical testing. Allele origin: germline.
Comment: This variant results in a copy number gain of the genomic region encompassing exons 42-43 of the EYS gene. The 5' boundary is likely confined to intron 41. The 3' end of this event is unknown as it extends beyond the assayed region for this gene and therefore may encompass additional genes. As the precise location of this event is unknown, it may be in tandem or it may be located elsewhere in the genome. This variant has not been reported in the literature in individuals with EYS-related conditions. In summary, the available evidence is currently insufficient to determine the role of this variant in disease. Therefore, it has been classified as a Variant of Uncertain Significance.